The following is an entry in ClinVar:

NM_000213.5(ITGB4):c.3221G>A (p.Arg1074His)

Gene: ITGB4 (integrin subunit beta 4; plus strand). Cytogenetic location: 17q25.1.
Variant type: single nucleotide variant.
Coding change: c.3221G>A on transcript NM_000213.5 (MANE Select); coding-DNA position 3221, G replaced by A.
Protein change: p.Arg1074His; replaces arginine 1074 with histidine.
Molecular consequence: missense variant.
Genome position (GRCh38, 1-based): chr17:75,748,950, G>A. VCF-style: chr17-75748950-G-A. GRCh37 (hg19) VCF-style: chr17-73745031-G-A.
Other names: c.3221G>A (NM_000213.3, NM_001005731.1); c.3221G>A, p.Arg1074His (NM_001005619.2, NM_001005731.3, NM_001321123.2); short protein forms R1074H.
Identifiers: ClinVar variation 1348122 (VCV001348122.11), dbSNP rs147026529, ClinGen allele CA8769738.

ClinVar aggregate classification (germline): Conflicting classifications of pathogenicity. Review status: criteria provided, conflicting classifications (1 of 4 stars). 4 submissions from 4 submitters: Uncertain significance (1); Likely benign (3). Last evaluated 2026-01-27.

Conditions:
Epidermolysis bullosa, junctional 5A, intermediate. Also called: EPIDERMOLYSIS BULLOSA, JUNCTIONAL 5A, GENERALIZED INTERMEDIATE; EPIDERMOLYSIS BULLOSA, JUNCTIONAL 5A, NON-HERLITZ TYPE. Identifiers: MedGen C5676956, MONDO:0030768, OMIM 619816.
Junctional epidermolysis bullosa with pyloric atresia. Also called: ITGB4-Related Epidermolysis Bullosa with Pyloric Atresia; Junctional Epidermolysis Bullosa- Pyloric Atresia Syndrome; APLASIA CUTIS CONGENITA WITH GASTROINTESTINAL ATRESIA; CARMI SYNDROME; EB-PA-ACC; Epidermolysis bullosa, junctional, with pyloric atresia and aplasia cutis congenita. Identifiers: Orphanet 79403, MedGen C5676875, MONDO:0009183, OMIM 226730.
Inborn genetic diseases. Identifiers: MedGen C0950123, MeSH D030342.

Allele frequency attached by ClinVar (database versions not stated): TOPMed 0.00005; gnomAD exomes 0.00006 and 0.00021; 1000 Genomes Project 0.00080; gnomAD 0.00004 and 0.00009; ExAC 0.00022; ESP Exome Variant Server 0.00023; 1000 Genomes Project 30x 0.00062.
gnomAD v4.1: 126 of 1,613,176 alleles (0.0078%); highest among the groups gnomAD compares: East Asian, 0.11%; no homozygotes.

Submissions (4):

Labcorp Genetics (formerly Invitae), Labcorp
Classification: Likely benign. Last evaluated: 2026-01-27. Review status: criteria provided, single submitter. Criteria: Invitae Variant Classification Sherloc (09022015). Collection method: clinical testing. Allele origin: germline.

GeneDx
Classification: Likely benign. Last evaluated: 2025-09-08. Review status: criteria provided, single submitter. Criteria: GeneDx Variant Classification Process June 2021. Collection method: clinical testing. Allele origin: germline.
Comment: See Variant Classification Assertion Criteria.

Fulgent Genetics
Classification: Likely benign for Junctional epidermolysis bullosa with pyloric atresia; Epidermolysis bullosa, junctional 5A, intermediate. Last evaluated: 2024-03-22. Review status: criteria provided, single submitter. Criteria: ACMG Guidelines, 2015. Collection method: clinical testing. Allele origin: germline.

Ambry Genetics
Classification: Uncertain significance for Inborn genetic diseases. Last evaluated: 2022-03-31. Review status: criteria provided, single submitter. Criteria: Ambry Variant Classification Scheme 2023. Collection method: clinical testing. Allele origin: germline.